The following is an entry in ClinVar:

ClinVar aggregate classification (germline): Uncertain significance (1 of 4 stars; one submission).

Conditions:
SCAPER-related disorder. Also called: SCAPER-related condition.

gnomAD v4.1: 2 of 1,613,690 alleles (0.00012%); highest among the groups gnomAD compares: African/African-American, 0.0013%; no homozygotes.

Submission:

PreventionGenetics, part of Exact Sciences
Classification: Uncertain significance for SCAPER-related condition. Last evaluated: 2025-07-15. Review status: criteria provided, single submitter. Criteria: ACMG Guidelines, 2015. Collection method: clinical testing. Allele origin: germline.
Comment: The SCAPER c.3613C>G variant is predicted to result in the amino acid substitution p.Pro1205Ala. To our knowledge, this variant has not been reported in the literature or in a large population database (gnomAD), indicating this variant is rare. At this time, the clinical significance of this variant is uncertain due to the absence of conclusive functional and genetic evidence.

NM_020843.4(SCAPER):c.3595C>G (p.Pro1199Ala)

Gene: SCAPER (S-phase cyclin A associated protein in the ER; minus strand). Cytogenetic location: 15q24.3.
Variant type: single nucleotide variant.
Coding change: c.3595C>G on transcript NM_020843.4 (MANE Select); coding-DNA position 3595, C replaced by G.
Protein change: p.Pro1199Ala; replaces proline 1199 with alanine.
Molecular consequence: missense variant. On other transcripts: non-coding transcript variant (1).
Genome position (GRCh38, 1-based): chr15:76,381,488, G>C on the plus strand (C>G on the coding strand, the complement: SCAPER is on the minus strand). VCF-style: chr15-76381488-G-C. GRCh37 (hg19) VCF-style: chr15-76673829-G-C.
Other names: c.2857C>G, p.Pro953Ala (NM_001145923.2); c.3613C>G, p.Pro1205Ala (NM_001353009.2); c.3193C>G, p.Pro1065Ala (NM_001353010.2, NM_001353012.2); c.3211C>G, p.Pro1071Ala (NM_001353011.2); short protein forms P1065A, P1071A, P1205A, P1199A, P953A.
Identifiers: ClinVar variation 4998134 (VCV004998134.1).